The following is an entry in ClinVar:

NM_020822.3(KCNT1):c.1368C>T (p.Leu456=)

Gene: KCNT1 (potassium sodium-activated channel subfamily T member 1; plus strand). Cytogenetic location: 9q34.3.
Variant type: single nucleotide variant.
Coding change: c.1368C>T on transcript NM_020822.3 (MANE Select); coding-DNA position 1368, C replaced by T.
Protein change: p.Leu456=; no amino-acid change (leucine 456 retained).
Molecular consequence: synonymous variant.
Genome position (GRCh38, 1-based): chr9:135,768,640, C>T. VCF-style: chr9-135768640-C-T. GRCh37 (hg19) VCF-style: chr9-138660486-C-T.
Other names: c.1233C>T, p.Leu411= (NM_001272003.2).
Identifiers: ClinVar variation 507555 (VCV000507555.10), dbSNP rs373948466, ClinGen allele CA201471884.
Genomic context (GRCh38, chr9:135,768,640, plus strand): 5'-CACCCACGCTCAGGCCCTGGTGCATTGCAGGATGGACAATGGGGAGGCCTGCTTCATCCT[C>T]AGCAGCAGGAACGAGGTGGACCGCACGGCTGCAGTGAGTGAGGCTGAGGCCCTGCCCAGG-3'
Protein context (NP_065873.2, residues 446-466): KMDNGEACFI[Leu456=]SSRNEVDRTA

ClinVar aggregate classification (germline): Likely benign. Review status: criteria provided, multiple submitters, no conflicts (2 of 4 stars). 4 submissions from 3 submitters: Likely benign (4). Last evaluated 2025-10-01.

Conditions:
Autosomal dominant nocturnal frontal lobe epilepsy 5. Also called: Epilepsy, nocturnal frontal lobe, 5; CILIARY DYSKINESIA, PRIMARY, 28, WITHOUT SITUS INVERSUS; CILIARY DYSKINESIA, PRIMARY, 28, WITH SITUS INVERSUS; KCNT1-Related Epilepsy. Identifiers: Orphanet 98784, MedGen C3554306, MONDO:0014002, OMIM 615005.
Developmental and epileptic encephalopathy, 14 (DEE14). Also called: Early infantile epileptic encephalopathy 14. Identifiers: Orphanet 293181, MedGen C3554195, MONDO:0013989, OMIM 614959.

Allele frequency attached by ClinVar (database versions not stated): TOPMed 0.00001; gnomAD exomes 0.00002; gnomAD 0.00003 and 0.00004; ESP Exome Variant Server 0.00009.
gnomAD v4.1: 25 of 1,550,434 alleles (0.0016%); highest among the groups gnomAD compares: Admixed American, 0.0078%; no homozygotes.

Submissions (4):

Labcorp Genetics (formerly Invitae), Labcorp
Classification: Likely benign for Autosomal dominant nocturnal frontal lobe epilepsy 5; Developmental and epileptic encephalopathy, 14. Last evaluated: 2025-10-01. Review status: criteria provided, single submitter. Criteria: Invitae Variant Classification Sherloc (09022015). Collection method: clinical testing. Allele origin: germline.

Genome-Nilou Lab
Classification: Likely benign for Developmental and epileptic encephalopathy, 14. Last evaluated: 2022-03-15. Review status: criteria provided, single submitter. Criteria: ACMG Guidelines, 2015. Collection method: clinical testing. Allele origin: germline. Affected: no.

Genome-Nilou Lab
Classification: Likely benign for Autosomal dominant nocturnal frontal lobe epilepsy 5. Last evaluated: 2022-03-15. Review status: criteria provided, single submitter. Criteria: ACMG Guidelines, 2015. Collection method: clinical testing. Allele origin: germline. Affected: no.

GeneDx
Classification: Likely benign. Last evaluated: 2017-02-23. Review status: criteria provided, single submitter. Criteria: GeneDx Variant Classification (06012015). Collection method: clinical testing. Allele origin: germline. Affected: yes.
Comment: This variant is considered likely benign or benign based on one or more of the following criteria: it is a conservative change, it occurs at a poorly conserved position in the protein, it is predicted to be benign by multiple in silico algorithms, and/or has population frequency not consistent with disease.